The following is an entry in ClinVar:

ClinVar aggregate classification (germline): Uncertain significance (1 of 4 stars; one submission).

Allele frequency attached by ClinVar (database versions not stated): gnomAD exomes below 0.00001; TOPMed below 0.00001; ExAC 0.00001.
gnomAD v4.1: 3 of 1,613,834 alleles (0.00019%); highest among the groups gnomAD compares: Admixed American, 0.005%; no homozygotes.

Submission:

Labcorp Genetics (formerly Invitae), Labcorp
Classification: Uncertain significance. Last evaluated: 2023-10-13. Review status: criteria provided, single submitter. Criteria: Invitae Variant Classification Sherloc (09022015). Collection method: clinical testing. Allele origin: germline.
Comment: This sequence change replaces lysine, which is basic and polar, with glutamic acid, which is acidic and polar, at codon 137 of the ABCA1 protein (p.Lys137Glu). This variant is present in population databases (rs770247341, gnomAD 0.006%). This variant has not been reported in the literature in individuals affected with ABCA1-related conditions. ClinVar contains an entry for this variant (Variation ID: 2146429). Advanced modeling of protein sequence and biophysical properties (such as structural, functional, and spatial information, amino acid conservation, physicochemical variation, residue mobility, and thermodynamic stability) performed at Invitae indicates that this missense variant is not expected to disrupt ABCA1 protein function. In summary, the available evidence is currently insufficient to determine the role of this variant in disease. Therefore, it has been classified as a Variant of Uncertain Significance.

NM_005502.4(ABCA1):c.409A>G (p.Lys137Glu)

Gene: ABCA1 (ATP binding cassette subfamily A member 1; minus strand). Cytogenetic location: 9q31.1.
Variant type: single nucleotide variant.
Coding change: c.409A>G on transcript NM_005502.4 (MANE Select); coding-DNA position 409, A replaced by G.
Protein change: p.Lys137Glu; replaces lysine 137 with glutamic acid.
Molecular consequence: missense variant.
Genome position (GRCh38, 1-based): chr9:104,883,051, T>C on the plus strand (A>G on the coding strand, the complement: ABCA1 is on the minus strand). VCF-style: chr9-104883051-T-C. GRCh37 (hg19) VCF-style: chr9-107645332-T-C.
Other names: short protein forms K137E.
Identifiers: ClinVar variation 2146429 (VCV002146429.4), dbSNP rs770247341, ClinGen allele CA5169408.